The following is an entry in ClinVar:

NM_000046.5(ARSB):c.440A>T (p.His147Leu)

Gene: ARSB (arylsulfatase B; minus strand). Cytogenetic location: 5q14.1.
Variant type: single nucleotide variant.
Coding change: c.440A>T on transcript NM_000046.5 (MANE Select); coding-DNA position 440, A replaced by T.
Protein change: p.His147Leu; replaces histidine 147 with leucine.
Molecular consequence: missense variant.
Genome position (GRCh38, 1-based): chr5:78,969,065, T>A on the plus strand (A>T on the coding strand, the complement: ARSB is on the minus strand). VCF-style: chr5-78969065-T-A. GRCh37 (hg19) VCF-style: chr5-78264888-T-A.
Other names: c.440A>T, p.His147Leu (NM_198709.3); short protein forms H147L.
Identifiers: ClinVar variation 3688166 (VCV003688166.3).
Genomic context (GRCh38, chr5:78,969,065, plus strand): 5'-CCAAAGTAGGTATCAAATCCTCGGCGGGTTGGAAGGCATTCTTTCCGGTACATTCCCAGG[T>A]GCCATTTTCCGACCATATGGGTAGTATAACCTGCTTCTTTTAGGAGCTGGGGCAGGAGTT-3'
Protein context (NP_000037.2, residues 137-157): GYTTHMVGKW[His147Leu]LGMYRKECLP

ClinVar aggregate classification (germline): Likely pathogenic. Review status: criteria provided, multiple submitters, no conflicts (2 of 4 stars). 2 submissions from 2 submitters: Likely pathogenic (2). Last evaluated 2024-06-14.

Conditions:
Mucopolysaccharidosis type 6 (MPS6). Also called: MPS VI; N-ACETYLGALACTOSAMINE-4-SULFATASE DEFICIENCY; MPS 6; Maroteaux Lamy syndrome; ARSB DEFICIENCY; ARYLSULFATASE B DEFICIENCY. Identifiers: Orphanet 583, MedGen C0026709, MONDO:0009661, OMIM 253200.

gnomAD v4.1: 1 of 1,614,206 alleles (0.000062%); highest among the groups gnomAD compares: Non-Finnish European, 0.000085%; no homozygotes.

Submissions (2):

Revvity Omics, Revvity
Classification: Likely pathogenic for Mucopolysaccharidosis type 6. Last evaluated: 2024-06-14. Review status: criteria provided, single submitter. Criteria: ACMG Guidelines, 2015. Collection method: clinical testing. Allele origin: germline.

Labcorp Genetics (formerly Invitae), Labcorp
Classification: Likely pathogenic for Mucopolysaccharidosis type 6. Last evaluated: 2024-04-05. Review status: criteria provided, single submitter. Criteria: Invitae Variant Classification Sherloc (09022015). Collection method: clinical testing. Allele origin: germline.
Comment: This sequence change replaces histidine, which is basic and polar, with leucine, which is neutral and non-polar, at codon 147 of the ARSB protein (p.His147Leu). This variant is not present in population databases (gnomAD no frequency). This missense change has been observed in individual(s) with mucopolysaccharidosis type VI (Invitae). Advanced modeling of protein sequence and biophysical properties (such as structural, functional, and spatial information, amino acid conservation, physicochemical variation, residue mobility, and thermodynamic stability) performed at Invitae indicates that this missense variant is expected to disrupt ARSB protein function with a positive predictive value of 95%. This variant disrupts the p.His147 amino acid residue in ARSB. Other variant(s) that disrupt this residue have been determined to be pathogenic (PMID: 26909334; Invitae). This suggests that this residue is clinically significant, and that variants that disrupt this residue are likely to be disease-causing. In summary, the currently available evidence indicates that the variant is pathogenic, but additional data are needed to prove that conclusively. Therefore, this variant has been classified as Likely Pathogenic.

Literature cited by the submitters: PubMed 26909334 (cited by Labcorp Genetics (formerly Invitae), Labcorp).